The following is an entry in ClinVar:

ClinVar aggregate classification (germline): Conflicting classifications of pathogenicity. Review status: criteria provided, conflicting classifications (1 of 4 stars). 5 submissions from 5 submitters: Uncertain significance (3); Benign (1); Likely benign (1). Last evaluated 2025-11-26.

Conditions:
Cardiovascular phenotype. Identifiers: MedGen CN230736.
Duchenne muscular dystrophy (DMD). Also called: Duchenne Muscular Dystrophy (DMD); MUSCULAR DYSTROPHY, PSEUDOHYPERTROPHIC PROGRESSIVE, DUCHENNE TYPE. Identifiers: Orphanet 98896, MedGen C0013264, MONDO:0010679, OMIM 310200.

Allele frequency attached by ClinVar (database versions not stated): ExAC 0.00001; gnomAD exomes 0.00001; gnomAD 0.00010 and 0.00011; TOPMed 0.00014; 1000 Genomes Project 30x 0.00021; 1000 Genomes Project 0.00026.
gnomAD v4.1: 22 of 1,207,927 alleles (0.0018%); highest among the groups gnomAD compares: African/African-American, 0.024%; no homozygotes.

Submissions (5):

Labcorp Genetics (formerly Invitae), Labcorp
Classification: Benign for Duchenne muscular dystrophy. Last evaluated: 2025-11-26. Review status: criteria provided, single submitter. Criteria: Invitae Variant Classification Sherloc (09022015). Collection method: clinical testing. Allele origin: germline.

Ambry Genetics
Classification: Uncertain significance for Cardiovascular phenotype. Last evaluated: 2023-06-28. Review status: criteria provided, single submitter. Criteria: Ambry Variant Classification Scheme 2023. Collection method: clinical testing. Allele origin: germline.
Comment: The p.I728T variant (also known as c.2183T>C), located in coding exon 18 of the DMD gene, results from a T to C substitution at nucleotide position 2183. The isoleucine at codon 728 is replaced by threonine, an amino acid with similar properties. Based on data from gnomAD, the C allele has an overall frequency of 0.002% (4/204275) total alleles studied, with no hemizygotes observed. The highest observed frequency was 0.021% (4/19058) of African/African American alleles. This amino acid position is not well conserved in available vertebrate species. In addition, this alteration is predicted to be tolerated by in silico analysis. Since supporting evidence is limited at this time, the clinical significance of this alteration remains unclear.

Revvity Omics, Revvity
Classification: Uncertain significance. Last evaluated: 2019-03-07. Review status: criteria provided, single submitter. Criteria: ACMG Guidelines, 2015. Collection method: clinical testing. Allele origin: germline.

GeneDx
Classification: Likely benign. Last evaluated: 2016-05-23. Review status: criteria provided, single submitter. Criteria: GeneDx Variant Classification (06012015). Collection method: clinical testing. Allele origin: germline. Affected: yes.
Comment: This variant is considered likely benign or benign based on one or more of the following criteria: it is a conservative change, it occurs at a poorly conserved position in the protein, it is predicted to be benign by multiple in silico algorithms, and/or has population frequency not consistent with disease.

Eurofins Ntd Llc (ga)
Classification: Uncertain significance. Last evaluated: 2016-03-01. Review status: criteria provided, single submitter. Criteria: EGL Classification Definitions 2015. Collection method: clinical testing. Allele origin: germline. Observed: 1 variant allele, 1 hemizygote.

NM_004006.3(DMD):c.2183T>C (p.Ile728Thr)

Gene: DMD (dystrophin; minus strand). Cytogenetic location: Xp21.1.
Variant type: single nucleotide variant.
Coding change: c.2183T>C on transcript NM_004006.3 (MANE Select); coding-DNA position 2183, T replaced by C.
Protein change: p.Ile728Thr; replaces isoleucine 728 with threonine.
Molecular consequence: missense variant.
Genome position (GRCh38, 1-based): chrX:32,518,117, A>G on the plus strand (T>C on the coding strand, the complement: DMD is on the minus strand). VCF-style: chrX-32518117-A-G. GRCh37 (hg19) VCF-style: chrX-32536234-A-G.
Other names: c.2159T>C, p.Ile720Thr (NM_000109.4); c.2171T>C, p.Ile724Thr (NM_004009.3); c.1814T>C, p.Ile605Thr (NM_004010.3); short protein forms I728T, I605T, I720T, I724T.
Identifiers: ClinVar variation 286448 (VCV000286448.16), dbSNP rs192004962, ClinGen allele CA10379604.